The following is an entry in ClinVar:

NM_030624.3(KLHL15):c.1083G>T (p.Gln361His)

Gene: KLHL15 (kelch like family member 15; minus strand). Cytogenetic location: Xp22.11.
Variant type: single nucleotide variant.
Coding change: c.1083G>T on transcript NM_030624.3 (MANE Select); coding-DNA position 1083, G replaced by T.
Protein change: p.Gln361His; replaces glutamine 361 with histidine.
Molecular consequence: missense variant.
Genome position (GRCh38, 1-based): chrX:23,988,653, C>A on the plus strand (G>T on the coding strand, the complement: KLHL15 is on the minus strand). VCF-style: chrX-23988653-C-A. GRCh37 (hg19) VCF-style: chrX-24006770-C-A.
Other names: short protein forms Q361H.
Identifiers: ClinVar variation 3371767 (VCV003371767.1).

ClinVar aggregate classification (germline): Uncertain significance (1 of 4 stars; one submission).

gnomAD v4.1: 1 of 1,209,824 alleles (0.000083%); highest among the groups gnomAD compares: East Asian, 0.003%; no homozygotes.

Submission:

GeneDx
Classification: Uncertain significance. Last evaluated: 2024-03-27. Review status: criteria provided, single submitter. Criteria: GeneDx Variant Classification Process June 2021. Collection method: clinical testing. Allele origin: germline. Affected: yes.
Comment: Not observed at significant frequency in large population cohorts (gnomAD); In silico analysis supports that this missense variant has a deleterious effect on protein structure/function; Has not been previously published as pathogenic or benign to our knowledge